The following is an entry in ClinVar:

ClinVar aggregate classification (germline): Uncertain significance. Review status: criteria provided, multiple submitters, no conflicts (2 of 4 stars). 4 submissions from 4 submitters: Uncertain significance (4). Last evaluated 2024-02-05.

Conditions:
Classic or attenuated familial adenomatous polyposis. Identifiers: MedGen CN372698, MONDO:0021057.
Hereditary cancer-predisposing syndrome. Also called: Tumor predisposition; Hereditary Cancer Syndrome; Hereditary neoplastic syndrome; Neoplastic Syndromes, Hereditary. Identifiers: Orphanet 140162, MedGen C0027672, MeSH D009386, MONDO:0015356.
Familial adenomatous polyposis 1 (FAP1). Also called: FAMILIAL ADENOMATOUS POLYPOSIS 1, ATTENUATED; POLYPOSIS, ADENOMATOUS INTESTINAL. Identifiers: MedGen C2713442, MONDO:0021056, OMIM 175100. Disease mechanism: loss of function.

gnomAD v4.1: 4 of 1,614,102 alleles (0.00025%); highest among the groups gnomAD compares: Admixed American, 0.0017%; no homozygotes.

Submissions (4):

All of Us Research Program, National Institutes of Health
Classification: Uncertain significance for Classic or attenuated familial adenomatous polyposis. Last evaluated: 2024-02-05. Review status: criteria provided, single submitter. Criteria: ACMG Guidelines, 2015. Collection method: clinical testing. Allele origin: germline. Inheritance: Autosomal dominant inheritance. Observed: 1 variant allele, 1 heterozygote.
Comment: This missense variant replaces glutamine with histidine at codon 1447 of the APC protein. Computational prediction suggests that this variant may not impact protein structure and function (internally defined REVEL score threshold <= 0.5, PMID: 27666373). To our knowledge, functional studies have not been reported for this variant. This variant has not been reported in individuals affected with APC-related disorders in the literature. This variant has been identified in 2/251226 chromosomes in the general population by the Genome Aggregation Database (gnomAD). The available evidence is insufficient to determine the role of this variant in disease conclusively. Therefore, this variant is classified as a Variant of Uncertain Significance.

This study involves interpretation of variants in research participants for the purpose of population health screening. Participant phenotype was not available at the time of variant classification. Additional details can be found in publication PMID: 35346344, PMCID: PMC8962531

Labcorp Genetics (formerly Invitae), Labcorp
Classification: Uncertain significance for Familial adenomatous polyposis 1. Last evaluated: 2023-09-29. Review status: criteria provided, single submitter. Criteria: Invitae Variant Classification Sherloc (09022015). Collection method: clinical testing. Allele origin: germline.
Comment: In summary, the available evidence is currently insufficient to determine the role of this variant in disease. Therefore, it has been classified as a Variant of Uncertain Significance. This sequence change replaces glutamine, which is neutral and polar, with histidine, which is basic and polar, at codon 1447 of the APC protein (p.Gln1447His). This variant is present in population databases (no rsID available, gnomAD 0.003%). This variant has not been reported in the literature in individuals affected with APC-related conditions. ClinVar contains an entry for this variant (Variation ID: 537415). Advanced modeling of protein sequence and biophysical properties (such as structural, functional, and spatial information, amino acid conservation, physicochemical variation, residue mobility, and thermodynamic stability) performed at Invitae indicates that this missense variant is not expected to disrupt APC protein function.

Quest Diagnostics Nichols Institute San Juan Capistrano
Classification: Uncertain significance. Last evaluated: 2022-10-06. Review status: criteria provided, single submitter. Criteria: Quest Diagnostics criteria. Collection method: clinical testing. Allele origin: unknown.
Comment: To the best of our knowledge, the variant has not been reported in the published literature. The frequency of this variant in the general population, 0.000008 (2/251226 chromosomes), is uninformative in assessment of its pathogenicity. Analysis of this variant using bioinformatics tools for the prediction of the effect of amino acid changes on protein structure and function yielded predictions that this variant is benign. Based on the available information, we are unable to determine the clinical significance of this variant.

Ambry Genetics
Classification: Uncertain significance for Hereditary cancer-predisposing syndrome. Last evaluated: 2019-04-13. Review status: criteria provided, single submitter. Criteria: Ambry Variant Classification Scheme 2023. Collection method: clinical testing. Allele origin: germline.
Comment: The p.Q1447H variant (also known as c.4341A>C), located in coding exon 15 of the APC gene, results from an A to C substitution at nucleotide position 4341. The glutamine at codon 1447 is replaced by histidine, an amino acid with highly similar properties. This amino acid position is not well conserved in available vertebrate species. In addition, in silico predictors for this gene do not accurately predict pathogenicity. Since supporting evidence is limited at this time, the clinical significance of this alteration remains unclear.

NM_000038.6(APC):c.4341A>C (p.Gln1447His)

Gene: APC (APC regulator of Wnt signaling pathway; plus strand). Cytogenetic location: 5q22.2.
Variant type: single nucleotide variant.
Coding change: c.4341A>C on transcript NM_000038.6 (MANE Select); coding-DNA position 4341, A replaced by C.
Protein change: p.Gln1447His; replaces glutamine 1447 with histidine.
Molecular consequence: missense variant.
Genome position (GRCh38, 1-based): chr5:112,839,935, A>C. VCF-style: chr5-112839935-A-C. GRCh37 (hg19) VCF-style: chr5-112175632-A-C.
Other names: c.4341A>C, p.Gln1447His (NM_001127510.3, NM_001354895.2); c.4287A>C, p.Gln1429His (NM_001127511.3); c.4395A>C, p.Gln1465His (NM_001354896.2); c.4371A>C, p.Gln1457His (NM_001354897.2); c.4266A>C, p.Gln1422His (NM_001354898.2); c.4257A>C, p.Gln1419His (NM_001354899.2); c.4218A>C, p.Gln1406His (NM_001354900.2); c.4164A>C, p.Gln1388His (NM_001354901.2); and 5 more; short protein forms Q1429H, Q1447H, Q1164H, Q1356H, Q1388H, Q1457H, Q1287H, Q1346H.
Identifiers: ClinVar variation 537415 (VCV000537415.17), dbSNP rs777153373, ClinGen allele CA16030841.